The following is an entry in ClinVar:

NM_152296.5(ATP1A3):c.36GAA[1] (p.Lys13del)

Gene: ATP1A3 (ATPase Na+/K+ transporting subunit alpha 3; minus strand). Cytogenetic location: 19q13.2.
Variant type: Microsatellite.
Coding change: c.36GAA[1] on transcript NM_152296.5 (MANE Select); one copy of the 3-base unit GAA starting at c.36; the reference has two copies in a row; one copy, 3 bases deleted.
Protein change: p.Lys13del; deletes lysine 13.
Molecular consequence: inframe deletion.
Genome position (GRCh38, 1-based): chr19:41,988,528-41,988,530, TTC deleted on the plus strand (GAA on the coding strand, the reverse complement: ATP1A3 is on the minus strand); deleting any 3 consecutive bases within chr19:41,988,528-41,988,535 gives the same sequence; the position shown is the placement nearest the transcript's 3' end. VCF-style (leftmost placement, unchanged base first): chr19-41988527-GTTC-G. GRCh37 (hg19) VCF-style: chr19-42492679-GTTC-G.
Other names: c.69GAA[1], p.Lys24del (NM_001256213.2); c.75GAA[1], p.Lys26del (NM_001256214.2); short protein forms K13del, K24del, K26del.
Identifiers: ClinVar variation 2178729 (VCV002178729.4), dbSNP rs2514086678, ClinGen allele CA2580614912.

ClinVar aggregate classification (germline): Uncertain significance (1 of 4 stars; one submission).

Conditions:
Dystonia 12 (DYT12). Also called: DYT-ATP1A3; Rapid-Onset Dystonia-Parkinsonism (RDP). Identifiers: Orphanet 71517, MedGen C1868681, MONDO:0007496, OMIM 128235.

Submission:

Labcorp Genetics (formerly Invitae), Labcorp
Classification: Uncertain significance for Dystonia 12. Last evaluated: 2022-07-26. Review status: criteria provided, single submitter. Criteria: Invitae Variant Classification Sherloc (09022015). Collection method: clinical testing. Allele origin: germline.
Comment: In summary, the available evidence is currently insufficient to determine the role of this variant in disease. Therefore, it has been classified as a Variant of Uncertain Significance. Experimental studies and prediction algorithms are not available or were not evaluated, and the functional significance of this variant is currently unknown. This variant has not been reported in the literature in individuals affected with ATP1A3-related conditions. This variant is not present in population databases (gnomAD no frequency). This variant, c.39_41del, results in the deletion of 1 amino acid(s) of the ATP1A3 protein (p.Lys13del), but otherwise preserves the integrity of the reading frame.